The following is an entry in ClinVar:

NM_001369268.1(ACAN):c.1722C>G (p.Asp574Glu)

Gene: ACAN (aggrecan; plus strand). Cytogenetic location: 15q26.1.
Variant type: single nucleotide variant.
Coding change: c.1722C>G on transcript NM_001369268.1 (MANE Select); coding-DNA position 1722, C replaced by G.
Protein change: p.Asp574Glu; replaces aspartic acid 574 with glutamic acid.
Molecular consequence: missense variant.
Genome position (GRCh38, 1-based): chr15:88,848,028, C>G. VCF-style: chr15-88848028-C-G. GRCh37 (hg19) VCF-style: chr15-89391259-C-G.
Other names: c.1722C>G, p.Asp574Glu (NM_001135.4, NM_001411096.1, NM_001411097.1 and 1 more transcripts); short protein forms D574E.
Identifiers: ClinVar variation 3659966 (VCV003659966.2).
Genomic context (GRCh38, chr15:88,848,028, plus strand): 5'-GGTCAGGACCTATGGCGTGCGCCCATCAACAGAGACCTACGATGTCTACTGCTTTGTAGA[C>G]AGACTTGAGGGTACAAGCCACATTCTCACATTTCGGGCCCTAGATGGGCAGGGGGTGGGC-3'
Protein context (NP_001356197.1, residues 564-584): TETYDVYCFV[Asp574Glu]RLEGEVFFAT

ClinVar aggregate classification (germline): Uncertain significance (1 of 4 stars; one submission).

gnomAD v4.1: 1 of 1,613,668 alleles (0.000062%); highest among the groups gnomAD compares: African/African-American, 0.0013%; no homozygotes.

Submission:

Labcorp Genetics (formerly Invitae), Labcorp
Classification: Uncertain significance. Last evaluated: 2024-07-19. Review status: criteria provided, single submitter. Criteria: Invitae Variant Classification Sherloc (09022015). Collection method: clinical testing. Allele origin: germline.
Comment: This sequence change replaces aspartic acid, which is acidic and polar, with glutamic acid, which is acidic and polar, at codon 574 of the ACAN protein (p.Asp574Glu). This variant is not present in population databases (gnomAD no frequency). This variant has not been reported in the literature in individuals affected with ACAN-related conditions. Advanced modeling of protein sequence and biophysical properties (such as structural, functional, and spatial information, amino acid conservation, physicochemical variation, residue mobility, and thermodynamic stability) performed at Invitae indicates that this missense variant is not expected to disrupt ACAN protein function with a negative predictive value of 80%. In summary, the available evidence is currently insufficient to determine the role of this variant in disease. Therefore, it has been classified as a Variant of Uncertain Significance.